The following is an entry in ClinVar:

ClinVar aggregate classification (germline): Likely pathogenic. Review status: criteria provided, multiple submitters, no conflicts (2 of 4 stars). 2 submissions from 2 submitters: Likely pathogenic (2). Last evaluated 2024-04-16.

Conditions:
ALG9 congenital disorder of glycosylation (CDG1L). Also called: CDG Il; ALG9-CDG; CONGENITAL DISORDER OF GLYCOSYLATION, TYPE Il. Identifiers: Orphanet 79328, MedGen C2931006, MONDO:0012117, OMIM 608776.
Cutis laxa with osteodystrophy (ARCL2A). Also called: Debré-Type Cutis Laxa; CUTIS LAXA WITH CONGENITAL DISORDER OF GLYCOSYLATION; CUTIS LAXA, AUTOSOMAL RECESSIVE, TYPE IIA; CUTIS LAXA WITH BONE DYSTROPHY; CUTIS LAXA WITH GROWTH AND DEVELOPMENTAL DELAY; CUTIS LAXA WITH JOINT LAXITY AND RETARDED DEVELOPMENT. Identifiers: Orphanet 357058, MedGen C0268355, MONDO:0018163, OMIM 219200. Disease mechanism: loss of function.
Wrinkly skin syndrome (WSS). Also called: Type of Gerodermia osteodysplastica. Identifiers: Orphanet 2834, MedGen C0406587, MONDO:0010208, OMIM 278250.

Allele frequency attached by ClinVar (database versions not stated): gnomAD exomes below 0.00001; TOPMed below 0.00001; ESP Exome Variant Server 0.00008.
gnomAD v4.1: 1 of 1,614,152 alleles (0.000062%); highest among the groups gnomAD compares: Non-Finnish European, 0.000085%; no homozygotes.

Submissions (2):

Fulgent Genetics
Classification: Likely pathogenic for Cutis laxa with osteodystrophy; Wrinkly skin syndrome. Last evaluated: 2024-04-16. Review status: criteria provided, single submitter. Criteria: ACMG Guidelines, 2015. Collection method: clinical testing. Allele origin: germline.

Labcorp Genetics (formerly Invitae), Labcorp
Classification: Likely pathogenic for ALG9 congenital disorder of glycosylation. Last evaluated: 2023-07-26. Review status: criteria provided, single submitter. Criteria: Invitae Variant Classification Sherloc (09022015). Collection method: clinical testing. Allele origin: germline.
Comment: In summary, the currently available evidence indicates that the variant is pathogenic, but additional data are needed to prove that conclusively. Therefore, this variant has been classified as Likely Pathogenic. Variants that disrupt the consensus splice site are a relatively common cause of aberrant splicing (PMID: 17576681, 9536098). Algorithms developed to predict the effect of sequence changes on RNA splicing suggest that this variant may disrupt the consensus splice site. An algorithm developed to predict the effect of missense changes on protein structure and function (PolyPhen-2) suggests that this variant is likely to be tolerated. This missense change has been observed in individual(s) with cutis laxa (PMID: 29419872; Invitae). In at least one individual the data is consistent with being in trans (on the opposite chromosome) from a pathogenic variant. This variant is not present in population databases (gnomAD no frequency). This sequence change replaces alanine, which is neutral and non-polar, with proline, which is neutral and non-polar, at codon 397 of the ATP6V0A2 protein (p.Ala397Pro). This variant also falls at the last nucleotide of exon 10, which is part of the consensus splice site for this exon.

Literature cited by the submitters: PubMed 17576681 (cited by Labcorp Genetics (formerly Invitae), Labcorp); PubMed 9536098 (cited by Labcorp Genetics (formerly Invitae), Labcorp); PubMed 29419872 (cited by Labcorp Genetics (formerly Invitae), Labcorp).

NM_012463.4(ATP6V0A2):c.1189G>C (p.Ala397Pro)

Gene: ATP6V0A2 (ATPase H+ transporting V0 subunit a2; plus strand). Cytogenetic location: 12q24.31.
Variant type: single nucleotide variant.
Coding change: c.1189G>C on transcript NM_012463.4 (MANE Select); coding-DNA position 1189, G replaced by C.
Protein change: p.Ala397Pro; replaces alanine 397 with proline.
Molecular consequence: missense variant.
Genome position (GRCh38, 1-based): chr12:123,743,935, G>C. VCF-style: chr12-123743935-G-C. GRCh37 (hg19) VCF-style: chr12-124228482-G-C.
Other names: short protein forms A397P.
Identifiers: ClinVar variation 2740713 (VCV002740713.4), dbSNP rs372852652, ClinGen allele CA245200282.
Genomic context (GRCh38, chr12:123,743,935, plus strand): 5'-GAGGGATTTCAGAACATCGTGGATGCTTATGGAGTCGGAAGCTACAGAGAAGTCAATCCA[G>C]GTTGGAAGTCTGATTTGTAAATACCCGTATTTCCAATGGCATTGTTGCATTCTTGCTCTA-3'
Protein context (NP_036595.2, residues 387-407): GVGSYREVNP[Ala397Pro]LFTIITFPFL